The following is an entry in ClinVar:

NM_005585.5(SMAD6):c.796T>C (p.Phe266Leu)

Gene: SMAD6 (SMAD family member 6; plus strand). Cytogenetic location: 15q22.31.
Variant type: single nucleotide variant.
Coding change: c.796T>C on transcript NM_005585.5 (MANE Select); coding-DNA position 796, T replaced by C.
Protein change: p.Phe266Leu; replaces phenylalanine 266 with leucine.
Molecular consequence: missense variant. On other transcripts: non-coding transcript variant (1).
Genome position (GRCh38, 1-based): chr15:66,704,054, T>C. VCF-style: chr15-66704054-T-C. GRCh37 (hg19) VCF-style: chr15-66996392-T-C.
Other names: short protein forms F266L.
Identifiers: ClinVar variation 4750932 (VCV004750932.1).

ClinVar aggregate classification (germline): Uncertain significance (1 of 4 stars; one submission).

Conditions:
Aortic valve disease 2 (AOVD2). Identifiers: MedGen C3542024, MONDO:0013902, OMIM 614823.

gnomAD v4.1: 39 of 1,503,250 alleles (0.0026%); highest among the groups gnomAD compares: Non-Finnish European, 0.0033%; no homozygotes.

Submission:

Labcorp Genetics (formerly Invitae), Labcorp
Classification: Uncertain significance for Aortic valve disease 2. Last evaluated: 2025-03-31. Review status: criteria provided, single submitter. Criteria: Invitae Variant Classification Sherloc (09022015). Collection method: clinical testing. Allele origin: germline.
Comment: This sequence change replaces phenylalanine, which is neutral and non-polar, with leucine, which is neutral and non-polar, at codon 266 of the SMAD6 protein (p.Phe266Leu). The frequency data for this variant in the population databases is considered unreliable, as metrics indicate poor data quality at this position in the gnomAD database. This variant has not been reported in the literature in individuals affected with SMAD6-related conditions. Invitae Evidence Modeling of protein sequence and biophysical properties (such as structural, functional, and spatial information, amino acid conservation, physicochemical variation, residue mobility, and thermodynamic stability) indicates that this missense variant is not expected to disrupt SMAD6 protein function with a negative predictive value of 80%. In summary, the available evidence is currently insufficient to determine the role of this variant in disease. Therefore, it has been classified as a Variant of Uncertain Significance.